The following is an entry in ClinVar:

ClinVar aggregate classification (germline): Pathogenic (1 of 4 stars; one submission).

Conditions:
Hereditary cancer-predisposing syndrome. Also called: Neoplastic Syndromes, Hereditary; Tumor predisposition; Hereditary neoplastic syndrome; Hereditary Cancer Syndrome. Identifiers: Orphanet 140162, MedGen C0027672, MeSH D009386, MONDO:0015356.
Familial thoracic aortic aneurysm and aortic dissection (TAAD). Also called: Thoracic aortic aneurysms and dissections. Identifiers: Orphanet 91387, MedGen C4707243, MONDO:0019625.

Submission:

Ambry Genetics
Classification: Pathogenic for Hereditary cancer-predisposing syndrome; Familial thoracic aortic aneurysm and aortic dissection. Last evaluated: 2018-11-15. Review status: criteria provided, single submitter. Criteria: Ambry Variant Classification Scheme 2023. Collection method: clinical testing. Allele origin: germline.
Comment: The p.S138* pathogenic mutation (also known as c.413C>G), located in coding exon 2 of the SMAD4 gene, results from a C to G substitution at nucleotide position 413. This changes the amino acid from a serine to a stop codon within coding exon 2. This alteration is expected to result in loss of function by premature protein truncation or nonsense-mediated mRNA decay. As such, this alteration is interpreted as a disease-causing mutation.

NM_005359.6(SMAD4):c.413C>G (p.Ser138Ter)

Gene: SMAD4 (SMAD family member 4; plus strand). Cytogenetic location: 18q21.2.
Variant type: single nucleotide variant.
Coding change: c.413C>G on transcript NM_005359.6 (MANE Select); coding-DNA position 413, C replaced by G.
Protein change: p.Ser138Ter; replaces serine 138 with a stop codon.
Molecular consequence: nonsense.
Genome position (GRCh38, 1-based): chr18:51,048,849, C>G. VCF-style: chr18-51048849-C-G. GRCh37 (hg19) VCF-style: chr18-48575219-C-G.
Other names: short protein forms S138*.
Identifiers: ClinVar variation 824618 (VCV000824618.4), dbSNP rs1599182571, ClinGen allele CA402458846.
Genomic context (GRCh38, chr18:51,048,849, plus strand): 5'-CGTTTGACTTAAAATGTGATAGTGTCTGTGTGAATCCATATCACTACGAACGAGTTGTAT[C>G]ACCTGGAATTGGTAAGTAGACTTTGCTTTCATCCTAAGAAACATAAAGGGAAAAGGATCT-3'